The following is an entry in ClinVar:

ClinVar aggregate classification (germline): Pathogenic/Likely pathogenic. Review status: criteria provided, multiple submitters, no conflicts (2 of 4 stars). 13 submissions from 13 submitters: Pathogenic (9); Likely pathogenic (4). Last evaluated 2025-11-16.

Conditions:
GALT-related disorder. Also called: GALT-related condition.
Galactosemia. Also called: Galactose intolerance. Identifiers: Orphanet 352, MedGen C0016952, MONDO:0018116, HP:0004919. Disease mechanism: loss of function.
Deficiency of UDPglucose-hexose-1-phosphate uridylyltransferase. Also called: GALACTOSE-1-PHOSPHATE URIDYLYLTRANSFERASE DEFICIENCY; Transferase Deficiency Galactosemia; GALACTOSEMIA I; GALT deficiency; Galactosemia, classic. Identifiers: Orphanet 352, Orphanet 79239, MedGen C0268151, MONDO:0009258, OMIM 230400.

Allele frequency attached by ClinVar (database versions not stated): TOPMed below 0.00001; gnomAD 0.00003; ESP Exome Variant Server 0.00008.
gnomAD v4.1: 7 of 1,614,072 alleles (0.00043%); highest among the groups gnomAD compares: Non-Finnish European, 0.00059%; no homozygotes.

Submissions (13):

GeneDx
Classification: Pathogenic. Last evaluated: 2025-11-16. Review status: criteria provided, single submitter. Criteria: GeneDx Variant Classification Process June 2021. Collection method: clinical testing. Allele origin: germline. Affected: yes.
Comment: Published functional studies demonstrate a loss of enzyme activity (PMID: 23319291); Not observed at significant frequency in large population cohorts (gnomAD); In silico analysis supports that this missense variant has a deleterious effect on protein structure/function; This variant is associated with the following publications: (PMID: 25087612, 10408771, 11261429, 11754113, 14728988, 11113841, 20008339, 23319291, 11397328, 27363831, 21779791, 35677809, 10960497, 20348403, Moody2023[Preprint], 15172000, 34258307, 10535394, 29779145, Mammadova2023[Case Report])

Mayo Clinic Laboratories, Mayo Clinic
Classification: Pathogenic. Last evaluated: 2025-10-10. Review status: criteria provided, single submitter. Criteria: ACMG Guidelines, 2015. Collection method: clinical testing. Allele origin: germline. Observed: 7 variant alleles.
Comment: PP3_moderate, PM2_moderate, PM3_strong, PS3, PS4

Natera, Inc.
Classification: Pathogenic for Galactosemia. Last evaluated: 2025-09-22. Review status: criteria provided, single submitter. Criteria: Natera Variant Classification Schema (03/2026). Collection method: clinical testing. Allele origin: germline.
Comment: The c.1030C>A variant in GALT is a missense variant predicted to cause substitution of glutamine to lysine at amino acid 344. This variant is rare in the general population with a frequency below the threshold expected for the associated phenotype(s). This variant has been observed in one or more individuals affected with the associated recessive disease, as either homozygous or compound heterozygous with a second variant (PMID: 10960497, 11397328, 27363831). Computational prediction algorithms indicate this variant is likely to affect gene or protein function. Given the available evidence, this variant is classified as Pathogenic.

PreventionGenetics, part of Exact Sciences
Classification: Likely pathogenic for GALT-related condition. Last evaluated: 2025-08-30. Review status: criteria provided, single submitter. Criteria: ACMG Guidelines, 2015. Collection method: clinical testing. Allele origin: germline.
Comment: The GALT c.1030C>A variant is predicted to result in the amino acid substitution p.Gln344Lys. This variant has previously been reported in several, presumably unrelated individuals clinically and/or biochemically diagnosed with galactosemia type I (Elsas et al. 1998. PubMed ID: 11261429;  Yang et al. 2002. PubMed ID: 11754113; Ryan et al. 2013. PubMed ID: 23319291). Furthermore, the variant has been reportedly associated with a severe galactosemia phenotype in at least one compound heterozygous individual (Berry et al. 2000. PubMed ID: 10960497).  This variant is reported in 0.013% of alleles in individuals of European (Non-Finnish) descent in gnomAD. This variant is interpreted as likely pathogenic.

Labcorp Genetics (formerly Invitae), Labcorp
Classification: Pathogenic for Deficiency of UDPglucose-hexose-1-phosphate uridylyltransferase. Last evaluated: 2025-06-22. Review status: criteria provided, single submitter. Criteria: Invitae Variant Classification Sherloc (09022015). Collection method: clinical testing. Allele origin: germline.
Comment: This sequence change replaces glutamine, which is neutral and polar, with lysine, which is basic and polar, at codon 344 of the GALT protein (p.Gln344Lys). This variant is present in population databases (rs111033814, gnomAD 0.01%). This missense change has been observed in individual(s) with galactosemia (PMID: 11397328, 11754113; internal data). ClinVar contains an entry for this variant (Variation ID: 25320). Invitae Evidence Modeling of protein sequence and biophysical properties (such as structural, functional, and spatial information, amino acid conservation, physicochemical variation, residue mobility, and thermodynamic stability) indicates that this missense variant is expected to disrupt GALT protein function with a positive predictive value of 80%. Experimental studies have shown that this missense change affects GALT function (PMID: 23319291). For these reasons, this variant has been classified as Pathogenic.

Fulgent Genetics
Classification: Likely pathogenic for Deficiency of UDPglucose-hexose-1-phosphate uridylyltransferase. Last evaluated: 2024-02-21. Review status: criteria provided, single submitter. Criteria: ACMG Guidelines, 2015. Collection method: clinical testing. Allele origin: germline.

ARUP Laboratories, Molecular Genetics and Genomics, ARUP Laboratories
Classification: Pathogenic for Deficiency of UDPglucose-hexose-1-phosphate uridylyltransferase. Last evaluated: 2023-06-19. Review status: criteria provided, single submitter. Criteria: ARUP Molecular Germline Variant Investigation Process 2024. Collection method: clinical testing. Allele origin: germline.
Comment: The GALT c.1030C>A; p.Gln344Lys variant (rs111033814) has been reported in patients diagnosed with hereditary galactosemia (Elsas 1998, Berry 2000, Yang 2002). This variant is also reported in ClinVar (Variation ID: 25320). It is only found on two alleles in the Genome Aggregation Database, indicating it is not a common polymorphism. Codon 344 is located at the subunit interface and is predicted to be important for maintaining inter-subunit hydrogen bonds and stabilize the enzyme complex (Facchiano 2010). Functional characterization indicates that, when found in trans with another pathogenic GALT variant, the p.Gln344Lys variant abrogates GALT activity in erythrocytes (Berry 2000). Based on available information, this variant is considered to be pathogenic. References: Berry G et al. Galactose breath testing distinguishes variant and severe galactose-1-phosphate uridyltransferase genotypes. Pediatr Res. 2000; 48(3):323-8. PMID: 10960497. Elsas LJ et al. The molecular biology of galactosemia. Genet Med. 1998; 1(1):40-8. PMID: 11261429. Facchiano A et al. Analysis of galactosemia-linked mutations of GALT enzyme using a computational biology approach. Protein Eng Des Sel. 2010; 23(2):103-13. PMID: 20008339. Yang Y et al. Molecular analysis in newborns from Texas affected with galactosemia. Hum Mutat. 2002; 19(1):82-3. PMID: 11754113.

Revvity Omics, Revvity
Classification: Likely pathogenic for Deficiency of UDPglucose-hexose-1-phosphate uridylyltransferase. Last evaluated: 2022-06-22. Review status: criteria provided, single submitter. Criteria: ACMG Guidelines, 2015. Collection method: clinical testing. Allele origin: germline.

Women's Health and Genetics/Laboratory Corporation of America, LabCorp
Classification: Pathogenic for Deficiency of UDPglucose-hexose-1-phosphate uridylyltransferase. Last evaluated: 2022-03-14. Review status: criteria provided, single submitter. Criteria: LabCorp Variant Classification Summary - May 2015. Collection method: clinical testing. Allele origin: germline.
Comment: Variant summary: GALT c.1030C>A (p.Gln344Lys) results in a conservative amino acid change located in the Galactose-1-phosphate uridyl transferase, C-terminal domain of the encoded protein sequence. Four of five in-silico tools predict a damaging effect of the variant on protein function. The variant was absent in 251468 control chromosomes. c.1030C>A has been reported in the literature in individuals affected with Galactosemia. These data indicate that the variant is likely to be associated with disease. At least one publication reports experimental evidence evaluating an impact on protein function. The most pronounced variant effect results in <10% of normal activity. Six clinical diagnostic laboratories have submitted clinical-significance assessments for this variant to ClinVar after 2014 without evidence for independent evaluation. All laboratories classified the variant as pathogenic/likely pathogenic. Based on the evidence outlined above, the variant was classified as pathogenic.

Myriad Genetics, Inc.
Classification: Likely pathogenic for Deficiency of UDPglucose-hexose-1-phosphate uridylyltransferase. Last evaluated: 2021-11-03. Review status: criteria provided, single submitter. Criteria: Myriad Women's Health Autosomal Recessive and X-Linked Classification Criteria (2021). Collection method: clinical testing. Allele origin: unknown.
Comment: NM_000155.3(GALT):c.1030C>A(Q344K) is a missense variant classified as likely pathogenic in the context of galactosemia. Q344K has been observed in cases with relevant disease (PMID: 27363831, 21779791, 14728988, 11754113, Dobrowlski_2017_(no PMID; abstract)). Functional assessments of this variant are available in the literature (PMID: 23319291). Q344K has been observed in population frequency databases (gnomAD: NFE 0.01%). In summary, NM_000155.3(GALT):c.1030C>A(Q344K) is a missense variant that has been observed more frequently in cases with the relevant disease than in healthy populations. Please note: this variant was assessed in the context of healthy population screening.

Eurofins Ntd Llc (ga)
Classification: Pathogenic. Last evaluated: 2017-07-07. Review status: criteria provided, single submitter. Criteria: EGL Classification Definitions 2015. Collection method: clinical testing. Allele origin: germline. Observed: 10 variant alleles, 10 heterozygotes.

Center for Pediatric Genomic Medicine, Children's Mercy Hospital and Clinics
Classification: Pathogenic. Last evaluated: 2014-12-04. Review status: criteria provided, single submitter. Criteria: ACMG Guidelines, 2015. Collection method: clinical testing. Allele origin: germline.

Baylor Genetics
Classification: Pathogenic for Deficiency of UDPglucose-hexose-1-phosphate uridylyltransferase. Review status: criteria provided, single submitter. Criteria: ACMG Guidelines, 2015. Collection method: clinical testing. Allele origin: germline.

Literature cited by the submitters: PubMed 10408771 (cited by Mayo Clinic Laboratories, Mayo Clinic and Women's Health and Genetics/Laboratory Corporation of America, LabCorp); PubMed 10535394 (cited by Mayo Clinic Laboratories, Mayo Clinic and Women's Health and Genetics/Laboratory Corporation of America, LabCorp); PubMed 10960497 (cited by 3 submitters); PubMed 11113841 (cited by Mayo Clinic Laboratories, Mayo Clinic and Women's Health and Genetics/Laboratory Corporation of America, LabCorp); PubMed 11261429 (cited by Mayo Clinic Laboratories, Mayo Clinic and Women's Health and Genetics/Laboratory Corporation of America, LabCorp); PubMed 11397328 (cited by 3 submitters); PubMed 11754113 (cited by 4 submitters); PubMed 14728988 (cited by Mayo Clinic Laboratories, Mayo Clinic and Myriad Genetics, Inc.); PubMed 23319291 (cited by 4 submitters); PubMed 27363831 (cited by Natera, Inc. and Myriad Genetics, Inc.); PubMed 15172000 (cited by Women's Health and Genetics/Laboratory Corporation of America, LabCorp); PubMed 20008339 (cited by Women's Health and Genetics/Laboratory Corporation of America, LabCorp); PubMed 25087612 (cited by Women's Health and Genetics/Laboratory Corporation of America, LabCorp); PubMed 20348403 (cited by Women's Health and Genetics/Laboratory Corporation of America, LabCorp); PubMed 21779791 (cited by Women's Health and Genetics/Laboratory Corporation of America, LabCorp and Myriad Genetics, Inc.).

NM_000155.4(GALT):c.1030C>A (p.Gln344Lys)

Gene: GALT (galactose-1-phosphate uridylyltransferase; plus strand). Cytogenetic location: 9p13.3.
Variant type: single nucleotide variant.
Coding change: c.1030C>A on transcript NM_000155.4 (MANE Select); coding-DNA position 1030, C replaced by A.
Protein change: p.Gln344Lys; replaces glutamine 344 with lysine.
Molecular consequence: missense variant.
Genome position (GRCh38, 1-based): chr9:34,649,535, C>A. VCF-style: chr9-34649535-C-A. GRCh37 (hg19) VCF-style: chr9-34649532-C-A.
Other names: c.703C>A, p.Gln235Lys (NM_001258332.2); short protein forms Q344K, Q235K.
Identifiers: ClinVar variation 25320 (VCV000025320.37), dbSNP rs111033814, ClinGen allele CA259572.